The following is an entry in ClinVar:

NM_152564.5(VPS13B):c.10932C>T (p.Asn3644=)

Gene: VPS13B (vacuolar protein sorting 13 homolog B; plus strand). Cytogenetic location: 8q22.2.
Variant type: single nucleotide variant.
Coding change: c.10932C>T on transcript NM_152564.5 (MANE Select); coding-DNA position 10932, C replaced by T.
Protein change: p.Asn3644=; no amino-acid change (asparagine 3644 retained).
Molecular consequence: synonymous variant.
Genome position (GRCh38, 1-based): chr8:99,859,368, C>T. VCF-style: chr8-99859368-C-T. GRCh37 (hg19) VCF-style: chr8-100871596-C-T.
Other names: c.11007C>T, p.Asn3669= (NM_017890.5); c.10932C>T (NM_152564.4).
Identifiers: ClinVar variation 361093 (VCV000361093.27), dbSNP rs745337140, ClinGen allele CA4825071.
Genomic context (GRCh38, chr8:99,859,368, plus strand): 5'-GGTAGTTGGGTCTCTGGATATTCTTGGCAGCCCTGCAAGCCTGGTGAGAAGCATCGGGAA[C>T]GGGGTCGCCGACTTCTTCAGGCTTCCGTATGAGGGGCTGACCCGGGGCCCTGGAGCCTTC-3'
Protein context (NP_689777.3, residues 3634-3654): SPASLVRSIG[Asn3644=]GVADFFRLPY

ClinVar aggregate classification (germline): Conflicting classifications of pathogenicity. Review status: criteria provided, conflicting classifications (1 of 4 stars). 6 submissions from 6 submitters: Uncertain significance (1); Benign (1); Likely benign (2). 2 of the submissions do not count toward it. Last evaluated 2026-01-20.

Conditions:
VPS13B-related disorder. Also called: VPS13B-related condition.
Inborn genetic diseases. Identifiers: MedGen C0950123, MeSH D030342.
Cohen syndrome (COH1). Also called: PEPPER SYNDROME; Cutis verticis gyrata, retinitis pigmentosa, and sensorineural deafness. Identifiers: Orphanet 193, MedGen C0265223, MONDO:0008999, OMIM 216550.

Allele frequency attached by ClinVar (database versions not stated): gnomAD 0.00004 and 0.00005; gnomAD exomes 0.00009 and 0.00025; TOPMed 0.00014; ExAC 0.00022.
gnomAD v4.1: 146 of 1,613,972 alleles (0.009%); highest among the groups gnomAD compares: Admixed American, 0.052%; no homozygotes.

Submissions (6):

Labcorp Genetics (formerly Invitae), Labcorp
Classification: Benign for Cohen syndrome. Last evaluated: 2026-01-20. Review status: criteria provided, single submitter. Criteria: Invitae Variant Classification Sherloc (09022015). Collection method: clinical testing. Allele origin: germline.

Blueprint Genetics
Classification: Likely benign. Last evaluated: 2024-08-30. Review status: criteria provided, single submitter. Criteria: ACMG Guidelines, 2015. Collection method: clinical testing. Allele origin: germline.

Illumina Laboratory Services, Illumina
Classification: Uncertain significance for Cohen syndrome. Last evaluated: 2018-01-13. Review status: criteria provided, single submitter. Criteria: ICSL Variant Classification Criteria 13 December 2019. Collection method: clinical testing. Allele origin: germline.

Ambry Genetics
Classification: Likely benign for Inborn genetic diseases. Last evaluated: 2016-11-03. Review status: criteria provided, single submitter. Criteria: Ambry Variant Classification Scheme 2023. Collection method: clinical testing. Allele origin: germline.

PreventionGenetics, part of Exact Sciences
Classification: Likely benign for VPS13B-related condition. Last evaluated: 2021-05-26. Review status: no assertion criteria provided. Collection method: clinical testing. Allele origin: germline. Not counted in ClinVar's aggregate classification.
Comment: This variant is classified as likely benign based on ACMG/AMP sequence variant interpretation guidelines (Richards et al. 2015 PMID: 25741868, with internal and published modifications).

Natera, Inc.
Classification: Likely benign for Cohen syndrome. Last evaluated: 2019-10-25. Review status: no assertion criteria provided. Collection method: clinical testing. Allele origin: germline. Not counted in ClinVar's aggregate classification.